The following is an entry in ClinVar:

ClinVar aggregate classification (germline): Uncertain significance (1 of 4 stars; one submission).

Conditions:
Emery-Dreifuss muscular dystrophy (EDMD). Also called: Scapuloperoneal syndrome, X-linked (formerly); Humeroperoneal neuromuscular disease, (formerly). Identifiers: Orphanet 261, MedGen C0410189, MONDO:0016830.

Allele frequency attached by ClinVar (database versions not stated): ExAC 0.00005; TOPMed 0.00014; gnomAD 0.00015; ESP Exome Variant Server 0.00024.

Submission:

Labcorp Genetics (formerly Invitae), Labcorp
Classification: Uncertain significance for Emery-Dreifuss muscular dystrophy. Last evaluated: 2025-08-16. Review status: criteria provided, single submitter. Criteria: Invitae Variant Classification Sherloc (09022015). Collection method: clinical testing. Allele origin: germline.
Comment: This sequence change replaces arginine, which is basic and polar, with histidine, which is basic and polar, at codon 141 of the SUN1 protein (p.Arg141His). This variant is present in population databases (rs377272999, gnomAD 0.03%). This variant has not been reported in the literature in individuals affected with SUN1-related conditions. ClinVar contains an entry for this variant (Variation ID: 1929877). An algorithm developed to predict the effect of missense changes on protein structure and function (PolyPhen-2) suggests that this variant is likely to be disruptive. In summary, the available evidence is currently insufficient to determine the role of this variant in disease. Therefore, it has been classified as a Variant of Uncertain Significance.

NM_001130965.3(SUN1):c.422G>A (p.Arg141His)

Gene: SUN1 (Sad1 and UNC84 domain containing 1; plus strand). Cytogenetic location: 7p22.3.
Variant type: single nucleotide variant.
Coding change: c.422G>A on transcript NM_001130965.3 (MANE Select); coding-DNA position 422, G replaced by A.
Protein change: p.Arg141His; replaces arginine 141 with histidine.
Molecular consequence: missense variant. On other transcripts: 5 prime UTR variant (4), non-coding transcript variant (3).
Genome position (GRCh38, 1-based): chr7:842,101, G>A. VCF-style: chr7-842101-G-A. GRCh37 (hg19) VCF-style: chr7-881738-G-A.
Other names: c.422G>A, p.Arg141His (NM_001171944.2, NM_001171946.2, NM_001367633.1 and 34 more transcripts); c.485G>A, p.Arg162His (NM_001171945.2); c.-36G>A (NM_001367635.1); c.272G>A, p.Arg91His (NM_001367636.1, NM_001367637.1, NM_001367644.1 and 25 more transcripts); c.-146G>A (NM_001367639.1, NM_001367708.1); c.641G>A, p.Arg214His (NM_001367651.1); c.-340G>A (NM_001367658.1); c.233G>A, p.Arg78His (NM_001367695.1); short protein forms R141H, R78H, R214H, R91H, R162H.
Identifiers: ClinVar variation 1929877 (VCV001929877.5), dbSNP rs377272999, ClinGen allele CA4111496.
Genomic context (GRCh38, chr7:842,101, plus strand): 5'-CTGTCAGCCTGCAGGATGCTGTGACTCGACGGCCTCCTGTATTGGACGAGTCTTGGATTC[G>A]TGAACAGACCACAGTGGACCACTTCTGGGGTGAGTCCCTGCGAGACACAGATTGTCCCGC-3'
Protein context (NP_001124437.1, residues 131-151): RPPVLDESWI[Arg141His]EQTTVDHFWG